The following is an entry in ClinVar:

ClinVar aggregate classification (germline): Uncertain significance (1 of 4 stars; one submission).

Conditions:
Charcot-Marie-Tooth disease axonal type 2F (CMT2F). Also called: CHARCOT-MARIE-TOOTH DISEASE, NEURONAL, TYPE 2F; Charcot-Marie-Tooth Neuropathy Type 2F. Identifiers: Orphanet 99940, MedGen C1847823, MONDO:0011687, OMIM 606595.

Allele frequency attached by ClinVar (database versions not stated): gnomAD exomes below 0.00001.
gnomAD v4.1: 3 of 1,606,130 alleles (0.00019%); highest among the groups gnomAD compares: East Asian, 0.0023%; no homozygotes.

Submission:

Labcorp Genetics (formerly Invitae), Labcorp
Classification: Uncertain significance for Charcot-Marie-Tooth disease axonal type 2F. Last evaluated: 2021-01-17. Review status: criteria provided, single submitter. Criteria: Invitae Variant Classification Sherloc (09022015). Collection method: clinical testing. Allele origin: germline.
Comment: This sequence change falls in intron 1 of the HSPB1 gene. It does not directly change the encoded amino acid sequence of the HSPB1 protein. It affects a nucleotide within the consensus splice site of the intron. In summary, the available evidence is currently insufficient to determine the role of this variant in disease. Therefore, it has been classified as a Variant of Uncertain Significance. Nucleotide substitutions within the consensus splice site are a relatively common cause of aberrant splicing (PMID: 17576681, 9536098). Algorithms developed to predict the effect of sequence changes on RNA splicing suggest that this variant may disrupt the consensus splice site, but this prediction has not been confirmed by published transcriptional studies. This variant has not been reported in the literature in individuals with HSPB1-related conditions. This variant is not present in population databases (ExAC no frequency).

Literature cited by the submitters: PubMed 17576681; PubMed 9536098.

NM_001540.5(HSPB1):c.365-3A>G

Gene: HSPB1 (heat shock protein family B (small) member 1; plus strand). Cytogenetic location: 7q11.23.
Variant type: single nucleotide variant.
Coding change: c.365-3A>G on transcript NM_001540.5 (MANE Select); 3 bases into the intron before coding-DNA position 365, A replaced by G.
Molecular consequence: intron variant.
Genome position (GRCh38, 1-based): chr7:76,303,799, A>G. VCF-style: chr7-76303799-A-G. GRCh37 (hg19) VCF-style: chr7-75933116-A-G.
Identifiers: ClinVar variation 1431358 (VCV001431358.6), dbSNP rs2117161041, ClinGen allele CA2573142366.